The following is an entry in ClinVar:

ClinVar aggregate classification (germline): Likely benign (0 of 4 stars; one submission).

Conditions:
ISL1-related disorder. Also called: ISL1-related condition.

Submission:

PreventionGenetics, part of Exact Sciences
Classification: Likely benign for ISL1-related condition. Last evaluated: 2022-10-12. Review status: no assertion criteria provided. Collection method: clinical testing. Allele origin: germline.
Comment: This variant is classified as likely benign based on ACMG/AMP sequence variant interpretation guidelines (Richards et al. 2015 PMID: 25741868, with internal and published modifications).

NM_002202.3(ISL1):c.219-7_219-5del

Gene: ISL1 (ISL LIM homeobox 1; plus strand). Cytogenetic location: 5q11.1.
Variant type: Deletion.
Coding change: c.219-7_219-5del on transcript NM_002202.3 (MANE Select); 7 bases into the intron before coding-DNA position 219 through 5 bases into the intron before coding-DNA position 219, 3 bases deleted (CGC; older notation c.219-7_219-5delCGC).
Molecular consequence: intron variant.
Genome position (GRCh38, 1-based): chr5:51,387,483-51,387,485, CGC deleted; deleting any 3 consecutive bases within chr5:51,387,482-51,387,485 gives the same sequence; the c. name uses the placement nearest the transcript's 3' end. VCF-style (leftmost placement, unchanged base first): chr5-51387481-CCCG-C. GRCh37 (hg19) VCF-style: chr5-50683315-CCCG-C.
Identifiers: ClinVar variation 3354024 (VCV003354024.1).
Genomic context (GRCh38, chr5:51,387,481, plus strand): 5'-AAGTGACCCCCTCTTCCTGTACTTCTCTCCCCGCTCTGGGCCGCCTCCGCTCCCCCCTCC[CCCG>C]CACAGGTTGTACGGGATCAAATGCGCCAAGTGCAGCATCGGCTTCAGCAAGAACGACTTC-3'